The following is an entry in ClinVar:

ClinVar aggregate classification (germline): Likely benign (1 of 4 stars; one submission).

Submission:

GeneDx
Classification: Likely benign. Last evaluated: 2016-07-09. Review status: criteria provided, single submitter. Criteria: GeneDx Variant Classification (06012015). Collection method: clinical testing. Allele origin: germline. Affected: yes.
Comment: This variant is considered likely benign or benign based on one or more of the following criteria: it is a conservative change, it occurs at a poorly conserved position in the protein, it is predicted to be benign by multiple in silico algorithms, and/or has population frequency not consistent with disease.

NM_000254.3(MTR):c.765-5del

Gene: MTR (5-methyltetrahydrofolate-homocysteine methyltransferase; plus strand). Cytogenetic location: 1q43.
Variant type: Deletion.
Coding change: c.765-5del on transcript NM_000254.3 (MANE Select); 5 bases into the intron before coding-DNA position 765, one base deleted (T; older notation c.765-5delT).
Molecular consequence: intron variant.
Genome position (GRCh38, 1-based): chr1:236,824,114, T deleted; the last of 5 consecutive T bases (chr1:236,824,110-236,824,114); deleting any one gives the same sequence. VCF-style (leftmost placement, unchanged base first): chr1-236824109-GT-G. GRCh37 (hg19) VCF-style: chr1-236987409-GT-G.
Other names: c.765-5del (NM_001291939.1); c.-344-5del (NM_001291940.2); c.765-5delT (NM_000254.2).
Identifiers: ClinVar variation 421497 (VCV000421497.1), dbSNP rs1064795174, ClinGen allele CA16617095.